The following is an entry in ClinVar:

ClinVar aggregate classification (germline): Uncertain significance. Review status: criteria provided, multiple submitters, no conflicts (2 of 4 stars). 2 submissions from 2 submitters: Uncertain significance (2). Last evaluated 2025-05-19.

Conditions:
Pulmonary hypertension, primary, 4. Identifiers: Orphanet 422, MedGen C3809198, MONDO:0014136, OMIM 615344.
Inborn genetic diseases. Identifiers: MedGen C0950123, MeSH D030342.

Allele frequency attached by ClinVar (database versions not stated): gnomAD exomes 0.00001.
gnomAD v4.1: 9 of 1,573,026 alleles (0.00057%); highest among the groups gnomAD compares: East Asian, 0.007%; no homozygotes.

Submissions (2):

Labcorp Genetics (formerly Invitae), Labcorp
Classification: Uncertain significance for Pulmonary hypertension, primary, 4. Last evaluated: 2025-05-19. Review status: criteria provided, single submitter. Criteria: Invitae Variant Classification Sherloc (09022015). Collection method: clinical testing. Allele origin: germline.
Comment: This sequence change replaces arginine, which is basic and polar, with leucine, which is neutral and non-polar, at codon 359 of the KCNK3 protein (p.Arg359Leu). The frequency data for this variant in the population databases is considered unreliable, as metrics indicate poor data quality at this position in the gnomAD database. This variant has not been reported in the literature in individuals affected with KCNK3-related conditions. ClinVar contains an entry for this variant (Variation ID: 3113403). An algorithm developed to predict the effect of missense changes on protein structure and function (PolyPhen-2) suggests that this variant is likely to be tolerated. In summary, the available evidence is currently insufficient to determine the role of this variant in disease. Therefore, it has been classified as a Variant of Uncertain Significance.

Ambry Genetics
Classification: Uncertain significance for Inborn genetic diseases. Last evaluated: 2023-12-15. Review status: criteria provided, single submitter. Criteria: Ambry Variant Classification Scheme 2023. Collection method: clinical testing. Allele origin: germline.

NM_002246.3(KCNK3):c.1076G>T (p.Arg359Leu)

Gene: KCNK3 (potassium two pore domain channel subfamily K member 3; plus strand). Cytogenetic location: 2p23.3.
Variant type: single nucleotide variant.
Coding change: c.1076G>T on transcript NM_002246.3 (MANE Select); coding-DNA position 1076, G replaced by T.
Protein change: p.Arg359Leu; replaces arginine 359 with leucine.
Molecular consequence: missense variant.
Genome position (GRCh38, 1-based): chr2:26,728,459, G>T. VCF-style: chr2-26728459-G-T. GRCh37 (hg19) VCF-style: chr2-26951327-G-T.
Other names: short protein forms R359L.
Identifiers: ClinVar variation 3113403 (VCV003113403.2), dbSNP rs1197123123, ClinGen allele CA346263377.